The following is an entry in ClinVar:

ClinVar aggregate classification (germline): Uncertain significance (1 of 4 stars; one submission).

Submission:

GeneDx
Classification: Uncertain significance. Last evaluated: 2025-03-21. Review status: criteria provided, single submitter. Criteria: GeneDx Variant Classification Process June 2021. Collection method: clinical testing. Allele origin: germline. Affected: yes.
Comment: Not observed at significant frequency in large population cohorts (gnomAD); In silico analysis indicates that this missense variant does not alter protein structure/function; Has not been previously published as pathogenic or benign to our knowledge

NM_000352.6(ABCC8):c.3115A>G (p.Ser1039Gly)

Gene: ABCC8 (ATP binding cassette subfamily C member 8; minus strand). Cytogenetic location: 11p15.1.
Variant type: single nucleotide variant.
Coding change: c.3115A>G on transcript NM_000352.6 (MANE Select); coding-DNA position 3115, A replaced by G.
Protein change: p.Ser1039Gly; replaces serine 1039 with glycine.
Molecular consequence: missense variant. On other transcripts: non-coding transcript variant (1).
Genome position (GRCh38, 1-based): chr11:17,406,935, T>C on the plus strand (A>G on the coding strand, the complement: ABCC8 is on the minus strand). VCF-style: chr11-17406935-T-C. GRCh37 (hg19) VCF-style: chr11-17428482-T-C.
Other names: c.3118A>G, p.Ser1040Gly (NM_001287174.3); c.3181A>G, p.Ser1061Gly (NM_001351295.2); c.3115A>G, p.Ser1039Gly (NM_001351296.2); c.3112A>G, p.Ser1038Gly (NM_001351297.2); short protein forms S1038G, S1039G, S1040G, S1061G.
Identifiers: ClinVar variation 4086275 (VCV004086275.1).